The following is an entry in ClinVar:

NM_198253.3(TERT):c.1970G>C (p.Arg657Thr)

Gene: TERT (telomerase reverse transcriptase; minus strand). Cytogenetic location: 5p15.33.
Variant type: single nucleotide variant.
Coding change: c.1970G>C on transcript NM_198253.3 (MANE Select); coding-DNA position 1970, G replaced by C.
Protein change: p.Arg657Thr; replaces arginine 657 with threonine.
Molecular consequence: missense variant. On other transcripts: non-coding transcript variant (2).
Genome position (GRCh38, 1-based): chr5:1,279,451, C>G on the plus strand (G>C on the coding strand, the complement: TERT is on the minus strand). VCF-style: chr5-1279451-C-G. GRCh37 (hg19) VCF-style: chr5-1279566-C-G.
Other names: c.1970G>C, p.Arg657Thr (NM_001193376.3); short protein forms R657T.
Identifiers: ClinVar variation 5030640 (VCV005030640.1).

ClinVar aggregate classification (germline): Uncertain significance (1 of 4 stars; one submission).

Conditions:
Dyskeratosis congenita. Identifiers: Orphanet 1775, MedGen C0265965, MONDO:0015780.

Submission:

Ambry Genetics
Classification: Uncertain significance for Dyskeratosis congenita. Last evaluated: 2026-06-28. Review status: criteria provided, single submitter. Criteria: Ambry Variant Classification Scheme 2023. Collection method: clinical testing. Allele origin: germline.
Comment: The p.R657T variant (also known as c.1970G>C), located in coding exon 5 of the TERT gene, results from a G to C substitution at nucleotide position 1970. The arginine at codon 657 is replaced by threonine, an amino acid with similar properties. This amino acid position is conserved. In addition, this alteration is predicted to be tolerated by in silico analysis. Based on the available evidence, the clinical significance of this variant remains unclear.